The following is an entry in ClinVar:

NM_173648.4(CCDC141):c.1381G>A (p.Ala461Thr)

Gene: CCDC141 (coiled-coil domain containing 141; minus strand). Cytogenetic location: 2q31.2.
Variant type: single nucleotide variant.
Coding change: c.1381G>A on transcript NM_173648.4 (MANE Select); coding-DNA position 1381, G replaced by A.
Protein change: p.Ala461Thr; replaces alanine 461 with threonine.
Molecular consequence: missense variant.
Genome position (GRCh38, 1-based): chr2:178,888,553, C>T on the plus strand (G>A on the coding strand, the complement: CCDC141 is on the minus strand). VCF-style: chr2-178888553-C-T. GRCh37 (hg19) VCF-style: chr2-179753280-C-T.
Other names: c.1381G>A, p.Ala461Thr (NM_001316745.2); short protein forms A461T.
Identifiers: ClinVar variation 2005013 (VCV002005013.4), dbSNP rs2535651077, ClinGen allele CA349481155.

ClinVar aggregate classification (germline): Uncertain significance (1 of 4 stars; one submission).

Submission:

Labcorp Genetics (formerly Invitae), Labcorp
Classification: Uncertain significance. Last evaluated: 2024-10-15. Review status: criteria provided, single submitter. Criteria: Invitae Variant Classification Sherloc (09022015). Collection method: clinical testing. Allele origin: germline.
Comment: This sequence change replaces alanine, which is neutral and non-polar, with threonine, which is neutral and polar, at codon 461 of the CCDC141 protein (p.Ala461Thr). This variant is not present in population databases (gnomAD no frequency). This variant has not been reported in the literature in individuals affected with CCDC141-related conditions. ClinVar contains an entry for this variant (Variation ID: 2005013). An algorithm developed to predict the effect of missense changes on protein structure and function outputs the following: PolyPhen-2: "Benign". The threonine amino acid residue is found in multiple mammalian species, which suggests that this missense change does not adversely affect protein function. In summary, the available evidence is currently insufficient to determine the role of this variant in disease. Therefore, it has been classified as a Variant of Uncertain Significance.